The following is an entry in ClinVar:

ClinVar aggregate classification (germline): Benign/Likely benign. Review status: criteria provided, multiple submitters, no conflicts (2 of 4 stars). 6 submissions from 6 submitters: Benign (1); Likely benign (5). Last evaluated 2025-09-17.

Conditions:
Hereditary nonpolyposis colorectal neoplasms. Identifiers: MedGen C0009405, MeSH D003123.
Hereditary cancer-predisposing syndrome. Also called: Hereditary neoplastic syndrome; Hereditary Cancer Syndrome; Neoplastic Syndromes, Hereditary; Tumor predisposition. Identifiers: Orphanet 140162, MedGen C0027672, MeSH D009386, MONDO:0015356.
Lynch syndrome 5 (LYNCH5). Also called: Hereditary non-polyposis colorectal cancer, type 5; Colorectal cancer, hereditary nonpolyposis, type 5. Identifiers: Orphanet 144, MedGen C1833477, MONDO:0013710, OMIM 614350. Disease mechanism: loss of function.

Allele frequency attached by ClinVar (database versions not stated): gnomAD exomes below 0.00001; TOPMed below 0.00001; gnomAD 0.00001.

Submissions (6):

Quest Diagnostics Nichols Institute San Juan Capistrano
Classification: Likely benign. Last evaluated: 2025-09-17. Review status: criteria provided, single submitter. Criteria: Quest Diagnostics criteria. Collection method: clinical testing. Allele origin: unknown.

Myriad Genetics, Inc.
Classification: Benign for Lynch syndrome 5. Last evaluated: 2024-12-30. Review status: criteria provided, single submitter. Criteria: Myriad Autosomal Dominant, Autosomal Recessive and X-Linked Classification Criteria (2023). Collection method: clinical testing. Allele origin: unknown.
Comment: This variant is considered benign. This variant is a silent/synonymous amino acid change and it is not expected to impact splicing.

Labcorp Genetics (formerly Invitae), Labcorp
Classification: Likely benign for Hereditary nonpolyposis colorectal neoplasms. Last evaluated: 2023-04-06. Review status: criteria provided, single submitter. Criteria: Invitae Variant Classification Sherloc (09022015). Collection method: clinical testing. Allele origin: germline.

Ambry Genetics
Classification: Likely benign for Hereditary cancer-predisposing syndrome. Last evaluated: 2018-03-14. Review status: criteria provided, single submitter. Criteria: Ambry Variant Classification Scheme 2023. Collection method: clinical testing. Allele origin: germline.

Color Diagnostics, LLC DBA Color Health
Classification: Likely benign for Hereditary cancer-predisposing syndrome. Last evaluated: 2018-02-09. Review status: criteria provided, single submitter. Criteria: ACMG Guidelines, 2015. Collection method: clinical testing. Allele origin: germline.

GeneDx
Classification: Likely benign. Last evaluated: 2017-03-01. Review status: criteria provided, single submitter. Criteria: GeneDx Variant Classification (06012015). Collection method: clinical testing. Allele origin: germline. Affected: yes.
Comment: This variant is considered likely benign or benign based on one or more of the following criteria: it is a conservative change, it occurs at a poorly conserved position in the protein, it is predicted to be benign by multiple in silico algorithms, and/or has population frequency not consistent with disease.

NM_000179.3(MSH6):c.2208T>C (p.Asp736=)

Gene: MSH6 (mutS homolog 6; plus strand). Cytogenetic location: 2p16.3.
Variant type: single nucleotide variant.
Coding change: c.2208T>C on transcript NM_000179.3 (MANE Select); coding-DNA position 2208, T replaced by C.
Protein change: p.Asp736=; no amino-acid change (aspartic acid 736 retained).
Molecular consequence: synonymous variant.
Genome position (GRCh38, 1-based): chr2:47,800,191, T>C. VCF-style: chr2-47800191-T-C. GRCh37 (hg19) VCF-style: chr2-48027330-T-C.
Other names: c.1818T>C, p.Asp606= (NM_001281492.2); c.1302T>C, p.Asp434= (NM_001281493.2, NM_001281494.2).
Identifiers: ClinVar variation 507776 (VCV000507776.16), dbSNP rs1175313729, ClinGen allele CA426121746.